The following is an entry in ClinVar:

ClinVar aggregate classification (germline): Uncertain significance (1 of 4 stars; one submission).

Conditions:
Peutz-Jeghers syndrome (PJS). Also called: POLYPOSIS, HAMARTOMATOUS INTESTINAL; POLYPS-AND-SPOTS SYNDROME; Peutz-Jeghers polyposis; Periorificial lentiginosis syndrome. Identifiers: Orphanet 2869, MedGen C0031269, MeSH D010580, MONDO:0008280, OMIM 175200.

Submission:

Labcorp Genetics (formerly Invitae), Labcorp
Classification: Uncertain significance for Peutz-Jeghers syndrome. Last evaluated: 2022-02-23. Review status: criteria provided, single submitter. Criteria: Invitae Variant Classification Sherloc (09022015). Collection method: clinical testing. Allele origin: germline.
Comment: This variant is not present in population databases (gnomAD no frequency). In summary, the available evidence is currently insufficient to determine the role of this variant in disease. Therefore, it has been classified as a Variant of Uncertain Significance. Advanced modeling of protein sequence and biophysical properties (such as structural, functional, and spatial information, amino acid conservation, physicochemical variation, residue mobility, and thermodynamic stability) performed at Invitae indicates that this missense variant is expected to disrupt STK11 protein function. ClinVar contains an entry for this variant (Variation ID: 1062247). This variant has not been reported in the literature in individuals affected with STK11-related conditions. This sequence change replaces threonine, which is neutral and polar, with alanine, which is neutral and non-polar, at codon 24 of the STK11 protein (p.Thr24Ala).

NM_000455.5(STK11):c.70A>G (p.Thr24Ala)

Gene: STK11 (serine/threonine kinase 11; plus strand). Cytogenetic location: 19p13.3.
Variant type: single nucleotide variant.
Coding change: c.70A>G on transcript NM_000455.5 (MANE Select); coding-DNA position 70, A replaced by G.
Protein change: p.Thr24Ala; replaces threonine 24 with alanine.
Molecular consequence: missense variant.
Genome position (GRCh38, 1-based): chr19:1,206,983, A>G. VCF-style: chr19-1206983-A-G. GRCh37 (hg19) VCF-style: chr19-1206982-A-G.
Other names: short protein forms T24A.
Identifiers: ClinVar variation 1062247 (VCV001062247.9), dbSNP rs2145404724, ClinGen allele CA402943482.
Genomic context (GRCh38, chr19:1,206,983, plus strand): 5'-GTGGACCCGCAGCAGCTGGGCATGTTCACGGAGGGCGAGCTGATGTCGGTGGGTATGGAC[A>G]CGTTCATCCACCGCATCGACTCCACCGAGGTCATCTACCAGCCGCGCCGCAAGCGGGCCA-3'
Protein context (NP_000446.1, residues 14-34): EGELMSVGMD[Thr24Ala]FIHRIDSTEV